The following is an entry in ClinVar:

NM_000891.3(KCNJ2):c.51C>T (p.Asp17=)

Gene: KCNJ2 (potassium inwardly rectifying channel subfamily J member 2; plus strand). Cytogenetic location: 17q24.3.
Variant type: single nucleotide variant.
Coding change: c.51C>T on transcript NM_000891.3 (MANE Select); coding-DNA position 51, C replaced by T.
Protein change: p.Asp17=; no amino-acid change (aspartic acid 17 retained).
Molecular consequence: synonymous variant.
Genome position (GRCh38, 1-based): chr17:70,175,090, C>T. VCF-style: chr17-70175090-C-T. GRCh37 (hg19) VCF-style: chr17-68171231-C-T.
Identifiers: ClinVar variation 378004 (VCV000378004.14), dbSNP rs141965142, ClinGen allele CA8738685.
Genomic context (GRCh38, chr17:70,175,090, plus strand): 5'-AGCAGAAGCGATGGGCAGTGTGCGAACCAACCGCTACAGCATCGTCTCTTCAGAAGAAGA[C>T]GGTATGAAGTTGGCCACCATGGCAGTTGCAAATGGCTTTGGGAACGGGAAGAGTAAAGTC-3'
Protein context (NP_000882.1, residues 7-27): NRYSIVSSEE[Asp17=]GMKLATMAVA

ClinVar aggregate classification (germline): Likely benign. Review status: criteria provided, multiple submitters, no conflicts (2 of 4 stars). 3 submissions from 3 submitters: Likely benign (3). Last evaluated 2026-01-06.

Conditions:
Cardiovascular phenotype. Identifiers: MedGen CN230736.
Andersen Tawil syndrome (LQT7). Also called: LONG QT SYNDROME 7; PERIODIC PARALYSIS, POTASSIUM-SENSITIVE CARDIODYSRHYTHMIC TYPE; Potassium-sensitive periodic paralysis, ventricular ectopy, and dysmorphic features; Andersen Syndrome; ANDERSEN CARDIODYSRHYTHMIC PERIODIC PARALYSIS. Identifiers: Orphanet 37553, MedGen C1563715, MONDO:0008222, OMIM 170390.
Short QT syndrome type 3. Identifiers: Orphanet 51083, MedGen C1865018, MONDO:0012314, OMIM 609622.

Allele frequency attached by ClinVar (database versions not stated): gnomAD exomes 0.00002 and 0.00004; TOPMed 0.00003; ExAC 0.00004; gnomAD 0.00006 and 0.00009; 1000 Genomes Project 30x 0.00016; 1000 Genomes Project 0.00020.
gnomAD v4.1: 40 of 1,614,178 alleles (0.0025%); highest among the groups gnomAD compares: Admixed American, 0.022%; no homozygotes.

Submissions (3):

Labcorp Genetics (formerly Invitae), Labcorp
Classification: Likely benign for Short QT syndrome type 3; Andersen Tawil syndrome. Last evaluated: 2026-01-06. Review status: criteria provided, single submitter. Criteria: Invitae Variant Classification Sherloc (09022015). Collection method: clinical testing. Allele origin: germline.

Ambry Genetics
Classification: Likely benign for Cardiovascular phenotype. Last evaluated: 2022-03-06. Review status: criteria provided, single submitter. Criteria: Ambry Variant Classification Scheme 2023. Collection method: clinical testing. Allele origin: germline.

GeneDx
Classification: Likely benign. Last evaluated: 2016-04-15. Review status: criteria provided, single submitter. Criteria: GeneDx Variant Classification (06012015). Collection method: clinical testing. Allele origin: germline. Affected: yes.
Comment: This variant is considered likely benign or benign based on one or more of the following criteria: it is a conservative change, it occurs at a poorly conserved position in the protein, it is predicted to be benign by multiple in silico algorithms, and/or has population frequency not consistent with disease.